The following is an entry in ClinVar:

ClinVar aggregate classification (germline): Uncertain significance (1 of 4 stars; one submission).

Conditions:
Spermatogenic failure 18. Identifiers: MedGen C4539783, MONDO:0054615, OMIM 617576.
Ciliary dyskinesia, primary, 37 (CILD37). Also called: CILIARY DYSKINESIA, PRIMARY, 37, WITH OR WITHOUT SITUS INVERSUS. Identifiers: MedGen C4539798, MONDO:0033204, OMIM 617577.

gnomAD v4.1: 7 of 1,613,710 alleles (0.00043%); highest among the groups gnomAD compares: Admixed American, 0.0033%; no homozygotes.

Submission:

Labcorp Genetics (formerly Invitae), Labcorp
Classification: Uncertain significance for Ciliary dyskinesia, primary, 37; Spermatogenic failure 18. Last evaluated: 2024-12-12. Review status: criteria provided, single submitter. Criteria: Invitae Variant Classification Sherloc (09022015). Collection method: clinical testing. Allele origin: germline.
Comment: This sequence change replaces arginine, which is basic and polar, with cysteine, which is neutral and slightly polar, at codon 3831 of the DNAH1 protein (p.Arg3831Cys). This variant is present in population databases (no rsID available, gnomAD 0.006%). This variant has not been reported in the literature in individuals affected with DNAH1-related conditions. Invitae Evidence Modeling of protein sequence and biophysical properties (such as structural, functional, and spatial information, amino acid conservation, physicochemical variation, residue mobility, and thermodynamic stability) indicates that this missense variant is expected to disrupt DNAH1 protein function with a positive predictive value of 80%. In summary, the available evidence is currently insufficient to determine the role of this variant in disease. Therefore, it has been classified as a Variant of Uncertain Significance.

NM_015512.5(DNAH1):c.11491C>T (p.Arg3831Cys)

Gene: DNAH1 (dynein axonemal heavy chain 1; plus strand). Cytogenetic location: 3p21.1.
Variant type: single nucleotide variant.
Coding change: c.11491C>T on transcript NM_015512.5 (MANE Select); coding-DNA position 11491, C replaced by T.
Protein change: p.Arg3831Cys; replaces arginine 3831 with cysteine.
Molecular consequence: missense variant.
Genome position (GRCh38, 1-based): chr3:52,396,678, C>T. VCF-style: chr3-52396678-C-T. GRCh37 (hg19) VCF-style: chr3-52430694-C-T.
Other names: short protein forms R3831C.
Identifiers: ClinVar variation 3763398 (VCV003763398.1).